The following is an entry in ClinVar:

NM_006899.5(IDH3B):c.1000C>T (p.Arg334Trp)

Gene: IDH3B (isocitrate dehydrogenase (NAD(+)) 3 non-catalytic subunit beta; minus strand). Cytogenetic location: 20p13.
Variant type: single nucleotide variant.
Coding change: c.1000C>T on transcript NM_006899.5 (MANE Select); coding-DNA position 1000, C replaced by T.
Protein change: p.Arg334Trp; replaces arginine 334 with tryptophan.
Molecular consequence: missense variant. On other transcripts: non-coding transcript variant (1).
Genome position (GRCh38, 1-based): chr20:2,659,709, G>A on the plus strand (C>T on the coding strand, the complement: IDH3B is on the minus strand). VCF-style: chr20-2659709-G-A. GRCh37 (hg19) VCF-style: chr20-2640355-G-A.
Other names: c.1000C>T, p.Arg334Trp (NM_001258384.3, NM_001330763.2, NM_174855.4); c.1000C>T (NM_006899.2); short protein forms R334W.
Identifiers: ClinVar variation 1430206 (VCV001430206.10), dbSNP rs374613588, ClinGen allele CA9735117.
Genomic context (GRCh38, chr20:2,659,709, plus strand): 5'-TGCTCCTCCTCACGACACCCAACCTCTGCCGACAGCCTCCCATGACCTACTTAAGATGCC[G>A]CAGCATGTTGGAAGCCGACAGCAGCATGGCCGTGGGATTGGCTATATTCCTGCCCACTGC-3'
Protein context (NP_008830.2, residues 324-344): AMLLSASNML[Arg334Trp]HLNLEYHSSM

ClinVar aggregate classification (germline): Uncertain significance. Review status: criteria provided, multiple submitters, no conflicts (2 of 4 stars). 4 submissions from 4 submitters: Uncertain significance (4). Last evaluated 2025-10-18.

Conditions:
Retinal dystrophy. Also called: Inherited retinal dystrophy. Identifiers: Orphanet 71862, MedGen C0854723, MeSH D058499, MONDO:0019118, HP:0000556.

Allele frequency attached by ClinVar (database versions not stated): TOPMed 0.00001; gnomAD 0.00003 and 0.00004; gnomAD exomes 0.00005 and 0.00008; ExAC 0.00007; ESP Exome Variant Server 0.00008.

Submissions (4):

Ambry Genetics
Classification: Uncertain significance. Last evaluated: 2025-10-18. Review status: criteria provided, single submitter. Criteria: Ambry Variant Classification Scheme 2023. Collection method: clinical testing. Allele origin: germline.

Dept Of Ophthalmology, Nagoya University
Classification: Uncertain significance for Retinal dystrophy. Last evaluated: 2023-10-01. Review status: criteria provided, single submitter. Criteria: Submitter's publication. Collection method: research. Allele origin: germline. Affected: yes.

Blueprint Genetics
Classification: Uncertain significance. Last evaluated: 2023-04-21. Review status: criteria provided, single submitter. Criteria: ACMG Guidelines, 2015. Collection method: clinical testing. Allele origin: germline.

Labcorp Genetics (formerly Invitae), Labcorp
Classification: Uncertain significance. Last evaluated: 2022-03-03. Review status: criteria provided, single submitter. Criteria: Invitae Variant Classification Sherloc (09022015). Collection method: clinical testing. Allele origin: germline.
Comment: This variant has not been reported in the literature in individuals affected with IDH3B-related conditions. In summary, the available evidence is currently insufficient to determine the role of this variant in disease. Therefore, it has been classified as a Variant of Uncertain Significance. Algorithms developed to predict the effect of missense changes on protein structure and function are either unavailable or do not agree on the potential impact of this missense change (SIFT: "Not Available"; PolyPhen-2: "Possibly Damaging"; Align-GVGD: "Not Available"). This variant is present in population databases (rs374613588, gnomAD 0.05%). This sequence change replaces arginine, which is basic and polar, with tryptophan, which is neutral and slightly polar, at codon 334 of the IDH3B protein (p.Arg334Trp).